The following is an entry in ClinVar:

NM_002855.5(NECTIN1):c.1548C>T (p.Tyr516=)

Gene: NECTIN1 (nectin cell adhesion molecule 1; minus strand). Cytogenetic location: 11q23.3.
Variant type: single nucleotide variant.
Coding change: c.1548C>T on transcript NM_002855.5 (MANE Select); coding-DNA position 1548, C replaced by T.
Protein change: p.Tyr516=; no amino-acid change (tyrosine 516 retained).
Molecular consequence: synonymous variant. On other transcripts: intron variant (1).
Genome position (GRCh38, 1-based): chr11:119,664,753, G>A on the plus strand (C>T on the coding strand, the complement: NECTIN1 is on the minus strand). VCF-style: chr11-119664753-G-A. GRCh37 (hg19) VCF-style: chr11-119535463-G-A.
Other names: c.1003+10406C>T (NM_203285.2).
Identifiers: ClinVar variation 721451 (VCV000721451.37), dbSNP rs146113849, ClinGen allele CA6321765.
Genomic context (GRCh38, chr11:119,664,753, plus strand): 5'-GTGCGGGGAGGGGCTGGGGAGGAGCGGTCACAGACAGAGGCTCTGGAAGGGGGGCTACAC[G>A]TACCACTCCTTCTTGGAAATGAAAGACCCGTCGTTCTGAGAAACCATGTTCTCAGCCAAG-3'
Protein context (NP_002846.3, residues 506-517): DGSFISKKEW[Tyr516=]V

ClinVar aggregate classification (germline): Conflicting classifications of pathogenicity. Review status: criteria provided, conflicting classifications (1 of 4 stars). 4 submissions from 4 submitters: Uncertain significance (1); Benign (1); Likely benign (1). 1 of the submissions does not count toward it. Last evaluated 2025-08-25.

Conditions:
Cleft lip/palate-ectodermal dysplasia syndrome (CLPED1). Also called: ZLOTOGORA-OGUR SYNDROME; Zlotogora syndrome; ECTODERMAL DYSPLASIA, CLEFT LIP AND PALATE, MENTAL RETARDATION, AND SYNDACTYLY; ECTODERMAL DYSPLASIA, MARGARITA ISLAND TYPE; ECTODERMAL DYSPLASIA, TYPE 4. Identifiers: Orphanet 3253, MedGen C2931488, MONDO:0009151, OMIM 225060.
NECTIN1-related disorder. Also called: NECTIN1-related condition.

Allele frequency attached by ClinVar (database versions not stated): TOPMed 0.00037; gnomAD 0.00059 and 0.00062; ESP Exome Variant Server 0.00062; gnomAD exomes 0.00072; ExAC 0.00092; 1000 Genomes Project 30x 0.00094; 1000 Genomes Project 0.00120.
gnomAD v4.1: 1,387 of 1,610,366 alleles (0.086%); highest among the groups gnomAD compares: Non-Finnish European, 0.09%; 1 homozygote.

Submissions (4):

Labcorp Genetics (formerly Invitae), Labcorp
Classification: Benign. Last evaluated: 2025-08-25. Review status: criteria provided, single submitter. Criteria: Invitae Variant Classification Sherloc (09022015). Collection method: clinical testing. Allele origin: germline.

CeGaT Center for Human Genetics Tuebingen
Classification: Likely benign. Last evaluated: 2023-12-01. Review status: criteria provided, single submitter. Criteria: CeGaT Center For Human Genetics Tuebingen Variant Classification Criteria Version 2. Collection method: clinical testing. Allele origin: germline. Affected: yes. Observed: 1 variant allele.
Comment: NECTIN1: BP4, BP7

Illumina Laboratory Services, Illumina
Classification: Uncertain significance for Cleft lip/palate-ectodermal dysplasia syndrome. Last evaluated: 2018-01-13. Review status: criteria provided, single submitter. Criteria: ICSL Variant Classification Criteria 13 December 2019. Collection method: clinical testing. Allele origin: germline.

PreventionGenetics, part of Exact Sciences
Classification: Likely benign for NECTIN1-related condition. Last evaluated: 2019-08-30. Review status: no assertion criteria provided. Collection method: clinical testing. Allele origin: germline. Not counted in ClinVar's aggregate classification.
Comment: This variant is classified as likely benign based on ACMG/AMP sequence variant interpretation guidelines (Richards et al. 2015 PMID: 25741868, with internal and published modifications).